The following is an entry in ClinVar:

ClinVar aggregate classification (germline): Uncertain significance (1 of 4 stars; one submission).

Conditions:
Dyskeratosis congenita. Identifiers: Orphanet 1775, MedGen C0265965, MONDO:0015780.

Submission:

Labcorp Genetics (formerly Invitae), Labcorp
Classification: Uncertain significance for Dyskeratosis congenita. Last evaluated: 2024-08-19. Review status: criteria provided, single submitter. Criteria: Invitae Variant Classification Sherloc (09022015). Collection method: clinical testing. Allele origin: germline.
Comment: This sequence change replaces threonine, which is neutral and polar, with arginine, which is basic and polar, at codon 248 of the TINF2 protein (p.Thr248Arg). This variant is not present in population databases (gnomAD no frequency). This variant has not been reported in the literature in individuals affected with TINF2-related conditions. An algorithm developed to predict the effect of missense changes on protein structure and function outputs the following: PolyPhen-2: "Possibly Damaging". The arginine amino acid residue is found in multiple mammalian species, which suggests that this missense change does not adversely affect protein function. In summary, the available evidence is currently insufficient to determine the role of this variant in disease. Therefore, it has been classified as a Variant of Uncertain Significance.

NM_001099274.3(TINF2):c.743C>G (p.Thr248Arg)

Gene: TINF2 (TERF1 interacting nuclear factor 2; minus strand). Cytogenetic location: 14q12.
Variant type: single nucleotide variant.
Coding change: c.743C>G on transcript NM_001099274.3 (MANE Select); coding-DNA position 743, C replaced by G.
Protein change: p.Thr248Arg; replaces threonine 248 with arginine.
Molecular consequence: missense variant.
Genome position (GRCh38, 1-based): chr14:24,240,737, G>C on the plus strand (C>G on the coding strand, the complement: TINF2 is on the minus strand). VCF-style: chr14-24240737-G-C. GRCh37 (hg19) VCF-style: chr14-24709943-G-C.
Other names: c.638C>G, p.Thr213Arg (NM_001363668.2); c.743C>G, p.Thr248Arg (NM_012461.3); short protein forms T213R, T248R.
Identifiers: ClinVar variation 3715152 (VCV003715152.2).